The following is an entry in ClinVar:

ClinVar aggregate classification (germline): Uncertain significance (1 of 4 stars; one submission).

Conditions:
TALDO1-related disorder. Also called: TALDO1-related condition.

Submission:

PreventionGenetics, part of Exact Sciences
Classification: Uncertain significance for TALDO1-related condition. Last evaluated: 2025-12-31. Review status: criteria provided, single submitter. Criteria: ACMG Guidelines, 2015. Collection method: clinical testing. Allele origin: germline.
Comment: The TALDO1 c.278_280delCAG variant is predicted to result in an in-frame deletion (p.Ala93del). To our knowledge, this variant has not been reported in the literature. This variant is reported in 0.0026% of alleles in individuals of European (Non-Finnish) descent in gnomAD. At this time, the clinical significance of this variant is uncertain due to the absence of conclusive functional and genetic evidence.

NM_006755.2(TALDO1):c.278_280del (p.Ala93del)

Gene: TALDO1 (transaldolase 1; plus strand). Cytogenetic location: 11p15.5.
Variant type: Deletion.
Coding change: c.278_280del on transcript NM_006755.2 (MANE Select); coding-DNA positions 278 to 280, 3 bases deleted (CAG; older notation c.278_280delCAG).
Protein change: p.Ala93del; deletes alanine 93.
Molecular consequence: inframe deletion.
Genome position (GRCh38, 1-based): chr11:759,006-759,008, CAG deleted; deleting any 3 consecutive bases within chr11:759,004-759,008 gives the same sequence; the c. name uses the placement nearest the transcript's 3' end. VCF-style (leftmost placement, unchanged base first): chr11-759003-GAGC-G. GRCh37 (hg19) VCF-style: chr11-759003-GAGC-G.
Other names: short protein forms A93del.
Identifiers: ClinVar variation 4991461 (VCV004991461.1).